The following is an entry in ClinVar:

ClinVar aggregate classification (germline): Uncertain significance (1 of 4 stars; one submission).

Allele frequency attached by ClinVar (database versions not stated): gnomAD 0.00001; gnomAD exomes 0.00001 and 0.00003; ExAC 0.00002; TOPMed 0.00002; 1000 Genomes Project 30x 0.00016; 1000 Genomes Project 0.00020.
gnomAD v4.1: 47 of 1,614,160 alleles (0.0029%); highest among the groups gnomAD compares: Non-Finnish European, 0.0039%; no homozygotes.

Submission:

Labcorp Genetics (formerly Invitae), Labcorp
Classification: Uncertain significance. Last evaluated: 2025-11-26. Review status: criteria provided, single submitter. Criteria: Invitae Variant Classification Sherloc (09022015). Collection method: clinical testing. Allele origin: germline.
Comment: This sequence change replaces serine, which is neutral and polar, with cysteine, which is neutral and slightly polar, at codon 519 of the A2ML1 protein (p.Ser519Cys). This variant is present in population databases (rs202176589, gnomAD 0.003%). This variant has not been reported in the literature in individuals affected with A2ML1-related conditions. ClinVar contains an entry for this variant (Variation ID: 1054532). An algorithm developed to predict the effect of missense changes on protein structure and function (PolyPhen-2) suggests that this variant is likely to be disruptive. In summary, the available evidence is currently insufficient to determine the role of this variant in disease. Therefore, it has been classified as a Variant of Uncertain Significance.

NM_144670.6(A2ML1):c.1556C>G (p.Ser519Cys)

Gene: A2ML1 (alpha-2-macroglobulin like 1; plus strand). Cytogenetic location: 12p13.31.
Variant type: single nucleotide variant.
Coding change: c.1556C>G on transcript NM_144670.6 (MANE Select); coding-DNA position 1556, C replaced by G.
Protein change: p.Ser519Cys; replaces serine 519 with cysteine.
Molecular consequence: missense variant.
Genome position (GRCh38, 1-based): chr12:8,846,095, C>G. VCF-style: chr12-8846095-C-G. GRCh37 (hg19) VCF-style: chr12-8998691-C-G.
Other names: c.83C>G, p.Ser28Cys (NM_001282424.3); short protein forms S28C, S519C.
Identifiers: ClinVar variation 1054532 (VCV001054532.9), dbSNP rs202176589, ClinGen allele CA6435748.
Genomic context (GRCh38, chr12:8,846,095, plus strand): 5'-TGTGCATTCTGATTTTCCTGTATATTCCCTCTTCTCTTTCAGGACTGAAAGCCTCCTTCT[C>G]TCTCTCACTGACCTTCACTTCGAGACTGGCCCCTGATCCTTCCCTGGTGATCTATGCCAT-3'
Protein context (NP_653271.3, residues 509-529): SKKKGLKASF[Ser519Cys]LSLTFTSRLA